The following is an entry in ClinVar:

ClinVar aggregate classification (germline): Conflicting classifications of pathogenicity. Review status: criteria provided, conflicting classifications (1 of 4 stars). 2 submissions from 2 submitters: Likely pathogenic (1); Uncertain significance (1). Last evaluated 2024-12-23.

gnomAD v4.1: 11 of 1,614,100 alleles (0.00068%); highest among the groups gnomAD compares: Non-Finnish European, 0.00093%; no homozygotes.

Submissions (2):

Mayo Clinic Laboratories, Mayo Clinic
Classification: Uncertain significance. Last evaluated: 2024-12-23. Review status: criteria provided, single submitter. Criteria: ACMG Guidelines, 2015. Collection method: clinical testing. Allele origin: germline. Observed: 1 variant allele.
Comment: PM2_supporting, PVS1_strong

Labcorp Genetics (formerly Invitae), Labcorp
Classification: Likely pathogenic. Last evaluated: 2022-12-25. Review status: criteria provided, single submitter. Criteria: Invitae Variant Classification Sherloc (09022015). Collection method: clinical testing. Allele origin: germline.
Comment: This sequence change affects a donor splice site in intron 17 of the ABCC2 gene. It is expected to disrupt RNA splicing. Variants that disrupt the donor or acceptor splice site typically lead to a loss of protein function (PMID: 16199547), and loss-of-function variants in ABCC2 are known to be pathogenic (PMID: 9185779, 16549534, 16952291). This variant is present in population databases (no rsID available, gnomAD 0.0009%). This variant has not been reported in the literature in individuals affected with ABCC2-related conditions. Algorithms developed to predict the effect of sequence changes on RNA splicing suggest that this variant may disrupt the consensus splice site. In summary, the currently available evidence indicates that the variant is pathogenic, but additional data are needed to prove that conclusively. Therefore, this variant has been classified as Likely Pathogenic.

Literature cited by the submitters: PubMed 16199547 (cited by Labcorp Genetics (formerly Invitae), Labcorp); PubMed 9185779 (cited by Labcorp Genetics (formerly Invitae), Labcorp); PubMed 16549534 (cited by Labcorp Genetics (formerly Invitae), Labcorp); PubMed 16952291 (cited by Labcorp Genetics (formerly Invitae), Labcorp).

NM_000392.5(ABCC2):c.2271+2T>C

Gene: ABCC2 (ATP binding cassette subfamily C member 2; plus strand). Cytogenetic location: 10q24.2.
Variant type: single nucleotide variant.
Coding change: c.2271+2T>C on transcript NM_000392.5 (MANE Select); the canonical splice donor site of the intron after coding-DNA position 2271, T replaced by C.
Molecular consequence: splice donor variant.
Genome position (GRCh38, 1-based): chr10:99,817,486, T>C. VCF-style: chr10-99817486-T-C. GRCh37 (hg19) VCF-style: chr10-101577243-T-C.
Identifiers: ClinVar variation 1914408 (VCV001914408.6), dbSNP rs1298723259, ClinGen allele CA378117084.